The following is an entry in ClinVar:

ClinVar aggregate classification (germline): Uncertain significance (1 of 4 stars; one submission).

Conditions:
Hereditary cancer-predisposing syndrome. Also called: Neoplastic Syndromes, Hereditary; Tumor predisposition; Hereditary Cancer Syndrome; Hereditary neoplastic syndrome. Identifiers: Orphanet 140162, MedGen C0027672, MeSH D009386, MONDO:0015356.
Cardiovascular phenotype. Identifiers: MedGen CN230736.

Submission:

Ambry Genetics
Classification: Uncertain significance for Cardiovascular phenotype; Hereditary cancer-predisposing syndrome. Last evaluated: 2019-12-20. Review status: criteria provided, single submitter. Criteria: Ambry Variant Classification Scheme 2023. Collection method: clinical testing. Allele origin: germline.
Comment: The p.G1090E variant (also known as c.3269G>A), located in coding exon 25 of the NF1 gene, results from a G to A substitution at nucleotide position 3269. The glycine at codon 1090 is replaced by glutamic acid, an amino acid with similar properties. This amino acid position is highly conserved in available vertebrate species. In addition, the in silico prediction for this alteration is inconclusive. Since supporting evidence is limited at this time, the clinical significance of this alteration remains unclear.

NM_001042492.3(NF1):c.3269G>A (p.Gly1090Glu)

Gene: NF1 (neurofibromin 1; plus strand). Cytogenetic location: 17q11.2.
Variant type: single nucleotide variant.
Coding change: c.3269G>A on transcript NM_001042492.3 (MANE Select); coding-DNA position 3269, G replaced by A.
Protein change: p.Gly1090Glu; replaces glycine 1090 with glutamic acid.
Molecular consequence: missense variant.
Genome position (GRCh38, 1-based): chr17:31,232,144, G>A. VCF-style: chr17-31232144-G-A. GRCh37 (hg19) VCF-style: chr17-29559162-G-A.
Other names: c.3269G>A, p.Gly1090Glu (NM_000267.4); short protein forms G1090E.
Identifiers: ClinVar variation 1729591 (VCV001729591.2), dbSNP rs2151433820, ClinGen allele CA398988839.